The following is an entry in ClinVar:

NM_000232.5(SGCB):c.243+2T>G

Gene: SGCB (sarcoglycan beta; minus strand). Cytogenetic location: 4q12.
Variant type: single nucleotide variant.
Coding change: c.243+2T>G on transcript NM_000232.5 (MANE Select); the canonical splice donor site of the intron after coding-DNA position 243, T replaced by G.
Molecular consequence: splice donor variant.
Genome position (GRCh38, 1-based): chr4:52,033,429, A>C on the plus strand (T>G on the coding strand, the complement: SGCB is on the minus strand). VCF-style: chr4-52033429-A-C. GRCh37 (hg19) VCF-style: chr4-52899595-A-C.
Identifiers: ClinVar variation 554369 (VCV000554369.6), dbSNP rs1553940661, ClinGen allele CA356877764.

ClinVar aggregate classification (germline): Likely pathogenic. Review status: criteria provided, single submitter (1 of 4 stars). 2 submissions from 2 submitters: Likely pathogenic (1). 1 of the submissions does not count toward it. Last evaluated 2023-05-05.

Conditions:
Autosomal recessive limb-girdle muscular dystrophy type 2E (LGMDR4). Also called: MUSCULAR DYSTROPHY, LIMB-GIRDLE, AUTOSOMAL RECESSIVE 4. Identifiers: Orphanet 119, MedGen C1858593, MONDO:0011423, OMIM 604286. Disease mechanism: Affects gamma-sarcoglycan and also disrupts the integrity of the entire sarcoglycan complex..

Submissions (2):

Labcorp Genetics (formerly Invitae), Labcorp
Classification: Likely pathogenic for Autosomal recessive limb-girdle muscular dystrophy type 2E. Last evaluated: 2023-05-05. Review status: criteria provided, single submitter. Criteria: Invitae Variant Classification Sherloc (09022015). Collection method: clinical testing. Allele origin: germline.
Comment: In summary, the currently available evidence indicates that the variant is pathogenic, but additional data are needed to prove that conclusively. Therefore, this variant has been classified as Likely Pathogenic. Algorithms developed to predict the effect of sequence changes on RNA splicing suggest that this variant may disrupt the consensus splice site. ClinVar contains an entry for this variant (Variation ID: 554369). Disruption of this splice site has been observed in individual(s) with SGCB-related conditions (PMID: 32875335). This variant is not present in population databases (gnomAD no frequency). This sequence change affects a donor splice site in intron 2 of the SGCB gene. It is expected to disrupt RNA splicing. Variants that disrupt the donor or acceptor splice site typically lead to a loss of protein function (PMID: 16199547), and loss-of-function variants in SGCB are known to be pathogenic (PMID: 15938573, 18285821).

Counsyl
Classification: Likely pathogenic for Autosomal recessive limb-girdle muscular dystrophy type 2E. Last evaluated: 2017-10-17. Review status: no assertion criteria provided. Collection method: clinical testing. Allele origin: unknown. Not counted in ClinVar's aggregate classification.

Literature cited by the submitters: PubMed 32875335 (cited by Labcorp Genetics (formerly Invitae), Labcorp); PubMed 16199547 (cited by Labcorp Genetics (formerly Invitae), Labcorp); PubMed 15938573 (cited by Labcorp Genetics (formerly Invitae), Labcorp); PubMed 18285821 (cited by Labcorp Genetics (formerly Invitae), Labcorp).